The following is an entry in ClinVar:

NM_001385012.1(NBEA):c.4438G>A (p.Val1480Met)

Gene: NBEA (neurobeachin; plus strand). Cytogenetic location: 13q13.3.
Variant type: single nucleotide variant.
Coding change: c.4438G>A on transcript NM_001385012.1 (MANE Select); coding-DNA position 4438, G replaced by A.
Protein change: p.Val1480Met; replaces valine 1480 with methionine.
Molecular consequence: missense variant.
Genome position (GRCh38, 1-based): chr13:35,173,478, G>A. VCF-style: chr13-35173478-G-A. GRCh37 (hg19) VCF-style: chr13-35747615-G-A.
Other names: c.4429G>A, p.Val1477Met (NM_001379245.1); c.4438G>A, p.Val1480Met (NM_015678.5); short protein forms V1477M, V1480M.
Identifiers: ClinVar variation 3895700 (VCV003895700.1).

ClinVar aggregate classification (germline): Uncertain significance (1 of 4 stars; one submission).

gnomAD v4.1: 1 of 1,607,802 alleles (0.000062%); highest among the groups gnomAD compares: Non-Finnish European, 0.000085%; no homozygotes.

Submission:

Women's Health and Genetics/Laboratory Corporation of America, LabCorp
Classification: Uncertain significance. Last evaluated: 2025-03-12. Review status: criteria provided, single submitter. Criteria: LabCorp Variant Classification Summary - May 2015. Collection method: clinical testing. Allele origin: germline.
Comment: Variant summary: NBEA c.4438G>A (p.Val1480Met) results in a conservative amino acid change in the encoded protein sequence. Four of five in-silico tools predict a damaging effect of the variant on protein function. The variant was absent in 244624 control chromosomes. The available data on variant occurrences in the general population are insufficient to allow any conclusion about variant significance. To our knowledge, no occurrence of c.4438G>A in individuals affected with Neurodevelopmental Disorder With Or Without Early-Onset Generalized Epilepsy and no experimental evidence demonstrating its impact on protein function have been reported. No submitters have cited clinical-significance assessments for this variant to ClinVar. Based on the evidence outlined above, the variant was classified as uncertain significance.